The following is an entry in ClinVar:

NM_001170629.2(CHD8):c.1493G>A (p.Gly498Asp)

Gene: CHD8 (chromodomain helicase DNA binding protein 8; minus strand). Cytogenetic location: 14q11.2.
Variant type: single nucleotide variant.
Coding change: c.1493G>A on transcript NM_001170629.2 (MANE Select); coding-DNA position 1493, G replaced by A.
Protein change: p.Gly498Asp; replaces glycine 498 with aspartic acid.
Molecular consequence: missense variant.
Genome position (GRCh38, 1-based): chr14:21,427,977, C>T on the plus strand (G>A on the coding strand, the complement: CHD8 is on the minus strand). VCF-style: chr14-21427977-C-T. GRCh37 (hg19) VCF-style: chr14-21896136-C-T.
Other names: c.656G>A, p.Gly219Asp (NM_020920.4); short protein forms G219D, G498D.
Identifiers: ClinVar variation 1690502 (VCV001690502.2), dbSNP rs759350991, ClinGen allele CA7091772.

ClinVar aggregate classification (germline): Uncertain significance (1 of 4 stars; one submission).

Allele frequency attached by ClinVar (database versions not stated): gnomAD exomes below 0.00001; ExAC 0.00001.
gnomAD v4.1: 6 of 1,614,058 alleles (0.00037%); highest among the groups gnomAD compares: South Asian, 0.0044%; no homozygotes.

Submission:

Laboratorio de Genetica e Diagnostico Molecular, Hospital Israelita Albert Einstein
Classification: Uncertain significance. Last evaluated: 2021-11-29. Review status: criteria provided, single submitter. Criteria: ACMG Guidelines, 2015. Collection method: clinical testing. Allele origin: germline. Affected: yes.
Comment: ACMG classification criteria: PM2, BP4